The following is an entry in ClinVar:

NM_000395.3(CSF2RB):c.269G>A (p.Arg90His)

Genes: CSF2RB (colony stimulating factor 2 receptor subunit beta; plus strand), LOC126863140 (BRD4-independent group 4 enhancer GRCh37_chr22:37321546-37322745; plus strand). Cytogenetic location: 22q12.3.
Variant type: single nucleotide variant.
Coding change: c.269G>A on transcript NM_000395.3 (MANE Select); coding-DNA position 269, G replaced by A.
Protein change: p.Arg90His; replaces arginine 90 with histidine.
Molecular consequence: missense variant.
Genome position (GRCh38, 1-based): chr22:36,926,055, G>A. VCF-style: chr22-36926055-G-A. GRCh37 (hg19) VCF-style: chr22-37322097-G-A.
Other names: c.269G>A, p.Arg90His (NM_001410827.1); short protein forms R90H.
Identifiers: ClinVar variation 2049837 (VCV002049837.4), dbSNP rs138878623, ClinGen allele CA10213423.

ClinVar aggregate classification (germline): Uncertain significance (1 of 4 stars; one submission).

Allele frequency attached by ClinVar (database versions not stated): ExAC 0.00004; gnomAD exomes 0.00006; gnomAD 0.00007; 1000 Genomes Project 30x 0.00016; 1000 Genomes Project 0.00020.
gnomAD v4.1: 93 of 1,614,154 alleles (0.0058%); highest among the groups gnomAD compares: East Asian, 0.06%; no homozygotes.

Submission:

Labcorp Genetics (formerly Invitae), Labcorp
Classification: Uncertain significance. Last evaluated: 2026-01-25. Review status: criteria provided, single submitter. Criteria: Invitae Variant Classification Sherloc (09022015). Collection method: clinical testing. Allele origin: germline.
Comment: This sequence change replaces arginine, which is basic and polar, with histidine, which is basic and polar, at codon 90 of the CSF2RB protein (p.Arg90His). This variant is present in population databases (rs138878623, gnomAD 0.009%). This variant has not been reported in the literature in individuals affected with CSF2RB-related conditions. ClinVar contains an entry for this variant (Variation ID: 2049837). Invitae Evidence Modeling of protein sequence and biophysical properties (such as structural, functional, and spatial information, amino acid conservation, physicochemical variation, residue mobility, and thermodynamic stability) indicates that this missense variant is not expected to disrupt CSF2RB protein function with a negative predictive value of 80%. In summary, the available evidence is currently insufficient to determine the role of this variant in disease. Therefore, it has been classified as a Variant of Uncertain Significance.